The following is an entry in ClinVar:

NM_000038.6(APC):c.1958+8_1958+10del

Gene: APC (APC regulator of Wnt signaling pathway; plus strand). Cytogenetic location: 5q22.2.
Variant type: Deletion.
Coding change: c.1958+8_1958+10del on transcript NM_000038.6 (MANE Select); bases 8 to 10 of the intron after coding-DNA position 1958, 3 bases deleted (TAG; older notation c.1958+8_1958+10delTAG).
Molecular consequence: intron variant.
Genome position (GRCh38, 1-based): chr5:112,835,173-112,835,175, TAG deleted. VCF-style (leftmost placement, unchanged base first): chr5-112835172-ATAG-A. GRCh37 (hg19) VCF-style: chr5-112170869-ATAG-A.
Other names: c.1958+8_1958+10del (NM_001354895.2, NM_001127510.3); c.1988+8_1988+10del (NM_001354897.2); c.1685+8_1685+10del (NM_001354902.2); c.1904+8_1904+10del (NM_001127511.3); c.1883+8_1883+10del (NM_001354898.2); c.1580+8_1580+10del (NM_001354904.2); c.1109+8_1109+10del (NM_001354906.2); c.2012+8_2012+10del (NM_001354896.2); and 5 more.
Identifiers: ClinVar variation 421803 (VCV000421803.2), dbSNP rs749491470, ClinGen allele CA030255.

ClinVar aggregate classification (germline): Likely benign. Review status: criteria provided, multiple submitters, no conflicts (2 of 4 stars). 2 submissions from 2 submitters: Likely benign (2). Last evaluated 2024-03-07.

Conditions:
Familial adenomatous polyposis 1 (FAP1). Also called: FAMILIAL ADENOMATOUS POLYPOSIS 1, ATTENUATED; POLYPOSIS, ADENOMATOUS INTESTINAL. Identifiers: MedGen C2713442, MONDO:0021056, OMIM 175100. Disease mechanism: loss of function.

Allele frequency attached by ClinVar (database versions not stated): gnomAD exomes below 0.00001; ExAC 0.00001.

Submissions (2):

Myriad Genetics, Inc.
Classification: Likely benign for Familial adenomatous polyposis 1. Last evaluated: 2024-03-07. Review status: criteria provided, single submitter. Criteria: Myriad Autosomal Dominant, Autosomal Recessive and X-Linked Classification Criteria (2023). Collection method: clinical testing. Allele origin: unknown.
Comment: This variant is considered likely benign. This variant is intronic and is not expected to impact mRNA splicing.

GeneDx
Classification: Likely benign. Last evaluated: 2016-07-26. Review status: criteria provided, single submitter. Criteria: GeneDx Variant Classification (06012015). Collection method: clinical testing. Allele origin: germline. Affected: yes.
Comment: This variant is considered likely benign or benign based on one or more of the following criteria: it is a conservative change, it occurs at a poorly conserved position in the protein, it is predicted to be benign by multiple in silico algorithms, and/or has population frequency not consistent with disease.